The following is an entry in ClinVar:

NM_001029883.3(PCARE):c.1465C>T (p.Pro489Ser)

Gene: PCARE (photoreceptor cilium actin regulator; minus strand). Cytogenetic location: 2p23.2.
Variant type: single nucleotide variant.
Coding change: c.1465C>T on transcript NM_001029883.3 (MANE Select); coding-DNA position 1465, C replaced by T.
Protein change: p.Pro489Ser; replaces proline 489 with serine.
Molecular consequence: missense variant.
Genome position (GRCh38, 1-based): chr2:29,072,797, G>A on the plus strand (C>T on the coding strand, the complement: PCARE is on the minus strand). VCF-style: chr2-29072797-G-A. GRCh37 (hg19) VCF-style: chr2-29295663-G-A.
Other names: short protein forms P489S.
Identifiers: ClinVar variation 938259 (VCV000938259.9), dbSNP rs1667515434, ClinGen allele CA346480127.

ClinVar aggregate classification (germline): Uncertain significance (1 of 4 stars; one submission).

Allele frequency attached by ClinVar (database versions not stated): gnomAD exomes below 0.00001.
gnomAD v4.1: 2 of 1,614,004 alleles (0.00012%); highest among the groups gnomAD compares: South Asian, 0.0022%; no homozygotes.

Submission:

Labcorp Genetics (formerly Invitae), Labcorp
Classification: Uncertain significance. Last evaluated: 2023-07-17. Review status: criteria provided, single submitter. Criteria: Invitae Variant Classification Sherloc (09022015). Collection method: clinical testing. Allele origin: germline.
Comment: ClinVar contains an entry for this variant (Variation ID: 938259). Algorithms developed to predict the effect of missense changes on protein structure and function output the following: SIFT: "Not Available"; PolyPhen-2: "Benign"; Align-GVGD: "Not Available". The serine amino acid residue is found in multiple mammalian species, which suggests that this missense change does not adversely affect protein function. In summary, the available evidence is currently insufficient to determine the role of this variant in disease. Therefore, it has been classified as a Variant of Uncertain Significance. This variant has not been reported in the literature in individuals affected with PCARE-related conditions. This sequence change replaces proline, which is neutral and non-polar, with serine, which is neutral and polar, at codon 489 of the PCARE protein (p.Pro489Ser). This variant is not present in population databases (gnomAD no frequency).